The following is an entry in ClinVar:

ClinVar aggregate classification (germline): Uncertain significance (1 of 4 stars; one submission).

Submission:

Labcorp Genetics (formerly Invitae), Labcorp
Classification: Uncertain significance. Last evaluated: 2025-09-21. Review status: criteria provided, single submitter. Criteria: Invitae Variant Classification Sherloc (09022015). Collection method: clinical testing. Allele origin: germline.
Comment: This sequence change replaces valine, which is neutral and non-polar, with glycine, which is neutral and non-polar, at codon 54 of the ALPL protein (p.Val54Gly). This variant is not present in population databases (gnomAD no frequency). This variant has not been reported in the literature in individuals affected with ALPL-related conditions. Invitae Evidence Modeling of protein sequence and biophysical properties (such as structural, functional, and spatial information, amino acid conservation, physicochemical variation, residue mobility, and thermodynamic stability) indicates that this missense variant is expected to disrupt ALPL protein function with a positive predictive value of 95%. In summary, the available evidence is currently insufficient to determine the role of this variant in disease. Therefore, it has been classified as a Variant of Uncertain Significance.

NM_000478.6(ALPL):c.161T>G (p.Val54Gly)

Gene: ALPL (alkaline phosphatase, biomineralization associated; plus strand). Cytogenetic location: 1p36.12.
Variant type: single nucleotide variant.
Coding change: c.161T>G on transcript NM_000478.6 (MANE Select); coding-DNA position 161, T replaced by G.
Protein change: p.Val54Gly; replaces valine 54 with glycine.
Molecular consequence: missense variant. On other transcripts: 5 prime UTR variant (1).
Genome position (GRCh38, 1-based): chr1:21,560,725, T>G. VCF-style: chr1-21560725-T-G. GRCh37 (hg19) VCF-style: chr1-21887218-T-G.
Other names: c.-5T>G (NM_001127501.4); c.46T>G, p.Ser16Ala (NM_001177520.3); c.161T>G, p.Val54Gly (NM_001369803.2, NM_001369804.2, NM_001369805.2); short protein forms S16A, V54G.
Identifiers: ClinVar variation 4799860 (VCV004799860.1).